The following is an entry in ClinVar:

NM_000038.6(APC):c.1502C>T (p.Ala501Val)

Gene: APC (APC regulator of Wnt signaling pathway; plus strand). Cytogenetic location: 5q22.2.
Variant type: single nucleotide variant.
Coding change: c.1502C>T on transcript NM_000038.6 (MANE Select); coding-DNA position 1502, C replaced by T.
Protein change: p.Ala501Val; replaces alanine 501 with valine.
Molecular consequence: missense variant.
Genome position (GRCh38, 1-based): chr5:112,827,201, C>T. VCF-style: chr5-112827201-C-T. GRCh37 (hg19) VCF-style: chr5-112162898-C-T.
Other names: c.1502C>T, p.Ala501Val (NM_001127510.3, NM_001354895.2); c.1448C>T, p.Ala483Val (NM_001127511.3); c.1556C>T, p.Ala519Val (NM_001354896.2); c.1532C>T, p.Ala511Val (NM_001354897.2); c.1427C>T, p.Ala476Val (NM_001354898.2); c.1418C>T, p.Ala473Val (NM_001354899.2); c.1379C>T, p.Ala460Val (NM_001354900.2); c.1325C>T, p.Ala442Val (NM_001354901.2); and 5 more; short protein forms A483V, A501V, A218V, A473V, A511V, A519V, A341V, A442V.
Identifiers: ClinVar variation 482333 (VCV000482333.20), dbSNP rs1390189763, ClinGen allele CA16024591.
Genomic context (GRCh38, chr5:112,827,201, plus strand): 5'-TGGACTGTGAAATGTATGGGCTTACTAATGACCACTACAGTATTACACTAAGACGATATG[C>T]TGGAATGGCTTTGACAAACTTGACTTTTGGAGATGTAGCCAACAAGGTATGTTTTTATAA-3'
Protein context (NP_000029.2, residues 491-511): DHYSITLRRY[Ala501Val]GMALTNLTFG

ClinVar aggregate classification (germline): Uncertain significance. Review status: criteria provided, multiple submitters, no conflicts (2 of 4 stars). 5 submissions from 5 submitters: Uncertain significance (5). Last evaluated 2024-11-08.

Conditions:
Familial adenomatous polyposis 1 (FAP1). Also called: FAMILIAL ADENOMATOUS POLYPOSIS 1, ATTENUATED; POLYPOSIS, ADENOMATOUS INTESTINAL. Identifiers: MedGen C2713442, MONDO:0021056, OMIM 175100. Disease mechanism: loss of function.
Classic or attenuated familial adenomatous polyposis. Identifiers: MedGen CN372698, MONDO:0021057.
Hereditary cancer-predisposing syndrome. Also called: Neoplastic Syndromes, Hereditary; Tumor predisposition; Hereditary Cancer Syndrome; Hereditary neoplastic syndrome. Identifiers: Orphanet 140162, MedGen C0027672, MeSH D009386, MONDO:0015356.

Allele frequency attached by ClinVar (database versions not stated): gnomAD exomes below 0.00001.
gnomAD v4.1: 1 of 1,613,842 alleles (0.000062%); highest among the groups gnomAD compares: Non-Finnish European, 0.000085%; no homozygotes.

Submissions (5):

Ambry Genetics
Classification: Uncertain significance for Hereditary cancer-predisposing syndrome. Last evaluated: 2024-11-08. Review status: criteria provided, single submitter. Criteria: Ambry Variant Classification Scheme 2023. Collection method: clinical testing. Allele origin: germline.
Comment: The p.A501V variant (also known as c.1502C>T), located in coding exon 11 of the APC gene, results from a C to T substitution at nucleotide position 1502. The alanine at codon 501 is replaced by valine, an amino acid with similar properties. This alteration was identified in one individual with a clinical diagnosis of familial adenomatous polyposis (FAP) (Wu G et al. Genet. Test., 2001;5:281-90). Another study determined that this alteration would not directly affect ligand binding because this residue is buried within the folded protein (Morishita EC et al. Structure, 2011 Oct;19:1496-508). This amino acid position is highly conserved in available vertebrate species. In addition, in silico predictors for this gene do not accurately predict pathogenicity. Missense alterations in APC are not a common cause of disease (Spier I et al. Genet Med. 2024 Feb;26(2):100992). Based on the available evidence, the clinical significance of this variant remains unclear.

Color Diagnostics, LLC DBA Color Health
Classification: Uncertain significance for Hereditary cancer-predisposing syndrome. Last evaluated: 2024-06-21. Review status: criteria provided, single submitter. Criteria: ACMG Guidelines, 2015. Collection method: clinical testing. Allele origin: germline.
Comment: This missense variant replaces alanine with valine at codon 501 of the APC protein. Computational prediction suggests that this variant may have deleterious impact on protein structure and function. To our knowledge, functional studies have not been reported for this variant. This variant has been reported in an individual affected with familial adenomatous polyposis (PMID: 11960572). This variant has been identified in 1/251300 chromosomes in the general population by the Genome Aggregation Database (gnomAD). The available evidence is insufficient to determine the role of this variant in disease conclusively. Therefore, this variant is classified as a Variant of Uncertain Significance.

Labcorp Genetics (formerly Invitae), Labcorp
Classification: Uncertain significance for Familial adenomatous polyposis 1. Last evaluated: 2024-04-29. Review status: criteria provided, single submitter. Criteria: Invitae Variant Classification Sherloc (09022015). Collection method: clinical testing. Allele origin: germline.
Comment: This sequence change replaces alanine, which is neutral and non-polar, with valine, which is neutral and non-polar, at codon 501 of the APC protein (p.Ala501Val). This variant is present in population databases (no rsID available, gnomAD 0.0009%). This missense change has been observed in individual(s) with familial adenomatous polyposis (PMID: 11960572). ClinVar contains an entry for this variant (Variation ID: 482333). Advanced modeling of protein sequence and biophysical properties (such as structural, functional, and spatial information, amino acid conservation, physicochemical variation, residue mobility, and thermodynamic stability) performed at Invitae indicates that this missense variant is not expected to disrupt APC protein function with a negative predictive value of 95%. In summary, the available evidence is currently insufficient to determine the role of this variant in disease. Therefore, it has been classified as a Variant of Uncertain Significance.

Baylor Genetics
Classification: Uncertain significance for Familial adenomatous polyposis 1. Last evaluated: 2023-08-15. Review status: criteria provided, single submitter. Criteria: ACMG Guidelines, 2015. Collection method: clinical testing. Allele origin: unknown.

All of Us Research Program, National Institutes of Health
Classification: Uncertain significance for Classic or attenuated familial adenomatous polyposis. Last evaluated: 2023-03-04. Review status: criteria provided, single submitter. Criteria: ACMG Guidelines, 2015. Collection method: clinical testing. Allele origin: germline. Inheritance: Autosomal dominant inheritance. Observed: 1 variant allele, 1 heterozygote.
Comment: This study involves interpretation of variants in research participants for the purpose of population health screening. Participant phenotype was not available at the time of variant classification. Additional details can be found in publication PMID: 35346344, PMCID: PMC8962531

Literature cited by the submitters: PubMed 11960572 (cited by 3 submitters); PubMed 22000517 (cited by Ambry Genetics).